The following is an entry in ClinVar:

NM_006648.4(WNK2):c.4319A>G (p.His1440Arg)

Gene: WNK2 (WNK lysine deficient protein kinase 2; plus strand). Cytogenetic location: 9q22.31.
Variant type: single nucleotide variant.
Coding change: c.4319A>G on transcript NM_006648.4 (MANE Select); coding-DNA position 4319, A replaced by G.
Protein change: p.His1440Arg; replaces histidine 1440 with arginine.
Molecular consequence: missense variant.
Genome position (GRCh38, 1-based): chr9:93,289,073, A>G. VCF-style: chr9-93289073-A-G. GRCh37 (hg19) VCF-style: chr9-96051355-A-G.
Other names: c.4430A>G, p.His1477Arg (NM_001282394.3); short protein forms H1440R, H1477R.
Identifiers: ClinVar variation 4866511 (VCV004866511.1).

ClinVar aggregate classification (germline): Uncertain significance (1 of 4 stars; one submission).

Submission:

Ambry Genetics
Classification: Uncertain significance. Last evaluated: 2026-03-15. Review status: criteria provided, single submitter. Criteria: Ambry Variant Classification Scheme 2023. Collection method: clinical testing. Allele origin: germline.
Comment: The p.H1440R variant (also known as c.4319A>G), located in coding exon 19 of the WNK2 gene, results from an A to G substitution at nucleotide position 4319. The histidine at codon 1440 is replaced by arginine, an amino acid with highly similar properties. This amino acid position is conserved. In addition, this alteration is predicted to be tolerated by in silico analysis. Based on the available evidence, the clinical significance of this variant remains unclear.